The following is an entry in ClinVar:

NM_001042492.3(NF1):c.1721+3A>T

Gene: NF1 (neurofibromin 1; plus strand). Cytogenetic location: 17q11.2.
Variant type: single nucleotide variant.
Coding change: c.1721+3A>T on transcript NM_001042492.3 (MANE Select); 3 bases into the intron after coding-DNA position 1721, A replaced by T.
Molecular consequence: intron variant. On other transcripts: missense variant (1).
Genome position (GRCh38, 1-based): chr17:31,221,932, A>T. VCF-style: chr17-31221932-A-T. GRCh37 (hg19) VCF-style: chr17-29548950-A-T.
Other names: c.1724A>T, p.Tyr575Phe (NM_001128147.3); c.1721+3A>T (NM_000267.4); short protein forms Y575F.
Identifiers: ClinVar variation 4797567 (VCV004797567.1).
Genomic context (GRCh38, chr17:31,221,932, plus strand): 5'-TAGATAGCATTGATTTGTGGAATCCTGATGCTCCTGTAGAAACATTTTGGGAGATTAGGT[A>T]TATGTACTTTTATTTTTTAAATTCAACTTTTAAATTTTATTTTGTATTTTTGTCTTGAAA-3'

ClinVar aggregate classification (germline): Pathogenic (1 of 4 stars; one submission).

Conditions:
Neurofibromatosis, type 1 (NF1). Also called: VON RECKLINGHAUSEN DISEASE; Neurofibromatosis, type I; NEUROFIBROMATOSIS, TYPE I, SOMATIC; Peripheral type neurofibromatosis. Identifiers: Orphanet 636, MedGen C0027831, MONDO:0018975, OMIM 162200. Disease mechanism: loss of function.

Submission:

Labcorp Genetics (formerly Invitae), Labcorp
Classification: Pathogenic for Neurofibromatosis, type 1. Last evaluated: 2025-09-02. Review status: criteria provided, single submitter. Criteria: Invitae Variant Classification Sherloc (09022015). Collection method: clinical testing. Allele origin: germline.
Comment: This sequence change falls in intron 15 of the NF1 gene. It does not directly change the encoded amino acid sequence of the NF1 protein. It affects a nucleotide within the consensus splice site. This variant is not present in population databases (gnomAD no frequency). This variant has been observed in individual(s) with clinical features of NF1-related conditions (internal data). In at least one individual the variant was observed to be de novo. Variants that disrupt the consensus splice site are a relatively common cause of aberrant splicing (PMID: 17576681, 9536098). Algorithms developed to predict the effect of sequence changes on RNA splicing suggest that this variant may disrupt the consensus splice site. This variant disrupts the c.1721+3A nucleotide in the NF1 gene. Other variant(s) that disrupt this nucleotide have been determined to be pathogenic (PMID: 7981679; internal data). This suggests that this nucleotide is clinically significant, and that variants that disrupt this position are likely to be disease-causing. For these reasons, this variant has been classified as Pathogenic.

Literature cited by the submitters: PubMed 17576681; PubMed 9536098; PubMed 7981679.